The following is an entry in ClinVar:

NC_000009.11:g.(?_14737394)_(14868975_?)dup

Gene: FREM1 (FRAS1 related extracellular matrix 1; minus strand). Cytogenetic location: 9p22.3.
Variant type: Duplication.
Identifiers: ClinVar variation 2427318 (VCV002427318.4).

ClinVar aggregate classification (germline): Uncertain significance (1 of 4 stars; one submission).

Submission:

Labcorp Genetics (formerly Invitae), Labcorp
Classification: Uncertain significance. Last evaluated: 2022-08-03. Review status: criteria provided, single submitter. Criteria: Invitae Variant Classification Sherloc (09022015). Collection method: clinical testing. Allele origin: germline.
Comment: A copy number gain of the genomic region encompassing the full coding sequence of the FREM1 gene has been identified. The boundaries of this event are unknown as they extend beyond the assayed region for this gene and therefore may encompass additional genes. As the precise location of this event is unknown, it may be in tandem or it may be located elsewhere in the genome. This variant has not been reported in the literature in individuals affected with FREM1-related conditions. In summary, the available evidence is currently insufficient to determine the role of this variant in disease. Therefore, it has been classified as a Variant of Uncertain Significance.